The following is an entry in ClinVar:

NM_007289.4(MME):c.1188G>A (p.Lys396=)

Gene: MME (membrane metalloendopeptidase; plus strand). Cytogenetic location: 3q25.2.
Variant type: single nucleotide variant.
Coding change: c.1188G>A on transcript NM_007289.4 (MANE Select); coding-DNA position 1188, G replaced by A.
Protein change: p.Lys396=; no amino-acid change (lysine 396 retained).
Molecular consequence: synonymous variant.
Genome position (GRCh38, 1-based): chr3:155,142,330, G>A. VCF-style: chr3-155142330-G-A. GRCh37 (hg19) VCF-style: chr3-154860119-G-A.
Other names: c.1188G>A, p.Lys396= (NM_000902.5, NM_001354642.2, NM_001354643.1 and 2 more transcripts).
Identifiers: ClinVar variation 1477907 (VCV001477907.3), dbSNP rs1721174222, ClinGen allele CA436434375.

ClinVar aggregate classification (germline): Uncertain significance (1 of 4 stars; one submission).

Allele frequency attached by ClinVar (database versions not stated): gnomAD exomes below 0.00001.
gnomAD v4.1: 4 of 1,611,580 alleles (0.00025%); highest among the groups gnomAD compares: South Asian, 0.0022%; no homozygotes.

Submission:

Labcorp Genetics (formerly Invitae), Labcorp
Classification: Uncertain significance. Last evaluated: 2022-06-26. Review status: criteria provided, single submitter. Criteria: Invitae Variant Classification Sherloc (09022015). Collection method: clinical testing. Allele origin: germline.
Comment: This sequence change affects codon 396 of the MME mRNA. It is a 'silent' change, meaning that it does not change the encoded amino acid sequence of the MME protein. This variant also falls at the last nucleotide of exon 12, which is part of the consensus splice site for this exon. This variant is not present in population databases (gnomAD no frequency). This variant has not been reported in the literature in individuals affected with MME-related conditions. Variants that disrupt the consensus splice site are a relatively common cause of aberrant splicing (PMID: 17576681, 9536098). Algorithms developed to predict the effect of sequence changes on RNA splicing suggest that this variant may disrupt the consensus splice site. In summary, the available evidence is currently insufficient to determine the role of this variant in disease. Therefore, it has been classified as a Variant of Uncertain Significance.

Literature cited by the submitters: PubMed 17576681; PubMed 9536098.